The following is an entry in ClinVar:

ClinVar aggregate classification (germline): Uncertain significance. Review status: criteria provided, multiple submitters, no conflicts (2 of 4 stars). 3 submissions from 3 submitters: Uncertain significance (3). Last evaluated 2025-12-03.

Conditions:
Hereditary spastic paraplegia 11. Also called: Spastic Paraplegia 11; Nakamura Osame syndrome; Autosomal recessive hereditary spastic paraplegia, mental impairment, and thin corpus callosum; Spastic paraplegia, mental retardation and thin corpus callosum; SPASTIC PARAPLEGIA, AUTOSOMAL RECESSIVE, COMPLICATED, WITH THIN CORPUS CALLOSUM; SPASTIC PARAPLEGIA, AUTOSOMAL RECESSIVE, WITH MENTAL IMPAIRMENT AND THIN CORPUS CALLOSUM. Identifiers: Orphanet 2822, MedGen C1858479, MONDO:0011445, OMIM 604360.
Charcot-Marie-Tooth disease axonal type 2X. Also called: CHARCOT-MARIE-TOOTH DISEASE, AXONAL, AUTOSOMAL RECESSIVE, TYPE 2X; CHARCOT-MARIE-TOOTH NEUROPATHY, TYPE 2X. Identifiers: Orphanet 466775, MedGen C5569024, MONDO:0014726, OMIM 616668.
Amyotrophic lateral sclerosis type 5 (ALS5). Also called: AMYOTROPHIC LATERAL SCLEROSIS 5, JUVENILE. Identifiers: Orphanet 300605, MedGen C1865864, MONDO:0011196, OMIM 602099.
Inborn genetic diseases. Identifiers: MedGen C0950123, MeSH D030342.

Allele frequency attached by ClinVar (database versions not stated): gnomAD 0.00001; gnomAD exomes 0.00001 and 0.00002; ExAC 0.00002.
gnomAD v4.1: 30 of 1,612,418 alleles (0.0019%); highest among the groups gnomAD compares: Non-Finnish European, 0.0025%; no homozygotes.

Submissions (3):

Ambry Genetics
Classification: Uncertain significance for Inborn genetic diseases. Last evaluated: 2025-12-03. Review status: criteria provided, single submitter. Criteria: Ambry Variant Classification Scheme 2023. Collection method: clinical testing. Allele origin: germline.

Labcorp Genetics (formerly Invitae), Labcorp
Classification: Uncertain significance for Hereditary spastic paraplegia 11. Last evaluated: 2022-05-30. Review status: criteria provided, single submitter. Criteria: Invitae Variant Classification Sherloc (09022015). Collection method: clinical testing. Allele origin: germline.
Comment: This sequence change replaces alanine, which is neutral and non-polar, with threonine, which is neutral and polar, at codon 1568 of the SPG11 protein (p.Ala1568Thr). This variant is present in population databases (rs767343843, gnomAD 0.004%). This variant has not been reported in the literature in individuals affected with SPG11-related conditions. ClinVar contains an entry for this variant (Variation ID: 947714). Algorithms developed to predict the effect of missense changes on protein structure and function (SIFT, PolyPhen-2, Align-GVGD) all suggest that this variant is likely to be disruptive. In summary, the available evidence is currently insufficient to determine the role of this variant in disease. Therefore, it has been classified as a Variant of Uncertain Significance.

Fulgent Genetics
Classification: Uncertain significance for Amyotrophic lateral sclerosis type 5; Hereditary spastic paraplegia 11; Charcot-Marie-Tooth disease axonal type 2X. Last evaluated: 2022-04-25. Review status: criteria provided, single submitter. Criteria: ACMG Guidelines, 2015. Collection method: clinical testing. Allele origin: unknown.

NM_025137.4(SPG11):c.4702G>A (p.Ala1568Thr)

Gene: SPG11 (SPG11 vesicle trafficking associated, spatacsin; minus strand). Cytogenetic location: 15q21.1.
Variant type: single nucleotide variant.
Coding change: c.4702G>A on transcript NM_025137.4 (MANE Select); coding-DNA position 4702, G replaced by A.
Protein change: p.Ala1568Thr; replaces alanine 1568 with threonine.
Molecular consequence: missense variant.
Genome position (GRCh38, 1-based): chr15:44,592,372, C>T on the plus strand (G>A on the coding strand, the complement: SPG11 is on the minus strand). VCF-style: chr15-44592372-C-T. GRCh37 (hg19) VCF-style: chr15-44884570-C-T.
Other names: c.4702G>A, p.Ala1568Thr (NM_001160227.2); short protein forms A1568T.
Identifiers: ClinVar variation 947714 (VCV000947714.9), dbSNP rs767343843, ClinGen allele CA7534611.